The following is an entry in ClinVar:

NM_152296.5(ATP1A3):c.2567TCT[1] (p.Phe857del)

Gene: ATP1A3 (ATPase Na+/K+ transporting subunit alpha 3; minus strand). Cytogenetic location: 19q13.2.
Variant type: Microsatellite.
Coding change: c.2567TCT[1] on transcript NM_152296.5 (MANE Select); one copy of the 3-base unit TCT starting at c.2567; the reference has two copies in a row; one copy, 3 bases deleted; also written c.2570_2572del.
Protein change: p.Phe857del; deletes phenylalanine 857.
Molecular consequence: inframe deletion.
Genome position (GRCh38, 1-based): chr19:41,969,551-41,969,553, AGA deleted on the plus strand (TCT on the coding strand, the reverse complement: ATP1A3 is on the minus strand); deleting any 3 consecutive bases within chr19:41,969,551-41,969,558 gives the same sequence; the position shown is the placement nearest the transcript's 3' end. VCF-style (leftmost placement, unchanged base first): chr19-41969550-GAGA-G. GRCh37 (hg19) VCF-style: chr19-42473702-GAGA-G.
Other names: c.2600TCT[1], p.Phe868del (NM_001256213.2); c.2606TCT[1], p.Phe870del (NM_001256214.2); c.2570_2572delTCT (NM_152296.4); c.2570_2572del (NM_152296.4); short protein forms F857del, F868del, F870del.
Identifiers: ClinVar variation 1200751 (VCV001200751.4), dbSNP rs2145945980, ClinGen allele CA913018444.

ClinVar aggregate classification (germline): Pathogenic (1 of 4 stars; one submission).

Submission:

GeneDx
Classification: Pathogenic. Last evaluated: 2024-06-14. Review status: criteria provided, single submitter. Criteria: GeneDx Variant Classification Process June 2021. Collection method: clinical testing. Allele origin: germline. Affected: yes.
Comment: Not observed at significant frequency in large population cohorts (gnomAD); In-frame deletion of 1 amino acids in a non-repeat region; In silico analysis supports a deleterious effect on protein structure/function; This variant is associated with the following publications: (PMID: 26633542, 33762331, 33880529)